The following is an entry in ClinVar:

NM_022114.4(PRDM16):c.1032+265G>C

Gene: PRDM16 (PR/SET domain 16; plus strand). Cytogenetic location: 1p36.32.
Variant type: single nucleotide variant.
Coding change: c.1032+265G>C on transcript NM_022114.4 (MANE Select); 265 bases into the intron after coding-DNA position 1032, G replaced by C.
Molecular consequence: intron variant.
Genome position (GRCh38, 1-based): chr1:3,405,151, G>C. VCF-style: chr1-3405151-G-C. GRCh37 (hg19) VCF-style: chr1-3321715-G-C.
Other names: c.1032+265G>C (NM_199454.3).
Identifiers: ClinVar variation 669552 (VCV000669552.1), dbSNP rs6424076, ClinGen allele CA17019096.

ClinVar aggregate classification (germline): Benign (1 of 4 stars; one submission).

Allele frequency attached by ClinVar (database versions not stated): 1000 Genomes Project 0.07508; 1000 Genomes Project 30x 0.07698; TOPMed 0.10137.
gnomAD v4.1: 15,717 of 152,266 alleles (10%); highest among the groups gnomAD compares: Middle Eastern, 18%; 900 homozygotes.

Submission:

GeneDx
Classification: Benign. Last evaluated: 2018-06-14. Review status: criteria provided, single submitter. Criteria: GeneDx Variant Classification (06012015). Collection method: clinical testing. Allele origin: germline. Affected: yes.
Comment: This variant is considered likely benign or benign based on one or more of the following criteria: it is a conservative change, it occurs at a poorly conserved position in the protein, it is predicted to be benign by multiple in silico algorithms, and/or has population frequency not consistent with disease.